The following is an entry in ClinVar:

NM_000179.3(MSH6):c.1724A>G (p.Asp575Gly)

Gene: MSH6 (mutS homolog 6; plus strand). Cytogenetic location: 2p16.3.
Variant type: single nucleotide variant.
Coding change: c.1724A>G on transcript NM_000179.3 (MANE Select); coding-DNA position 1724, A replaced by G.
Protein change: p.Asp575Gly; replaces aspartic acid 575 with glycine.
Molecular consequence: missense variant.
Genome position (GRCh38, 1-based): chr2:47,799,707, A>G. VCF-style: chr2-47799707-A-G. GRCh37 (hg19) VCF-style: chr2-48026846-A-G.
Other names: c.1334A>G, p.Asp445Gly (NM_001281492.2); c.818A>G, p.Asp273Gly (NM_001281493.2, NM_001281494.2); short protein forms D575G, D273G, D445G.
Identifiers: ClinVar variation 1037285 (VCV001037285.11), dbSNP rs1669366197, ClinGen allele CA346748705.
Genomic context (GRCh38, chr2:47,799,707, plus strand): 5'-CATATGGTGTGTGCTTTGTTGATACTTCACTGGGAAAGTTTTTCATAGGTCAGTTTTCAG[A>G]TGATCGCCATTGTTCGAGATTTAGGACTCTAGTGGCACACTATCCCCCAGTACAAGTTTT-3'
Protein context (NP_000170.1, residues 565-585): LGKFFIGQFS[Asp575Gly]DRHCSRFRTL

ClinVar aggregate classification (germline): Uncertain significance. Review status: criteria provided, multiple submitters, no conflicts (2 of 4 stars). 2 submissions from 2 submitters: Uncertain significance (2). Last evaluated 2022-03-21.

Conditions:
Hereditary nonpolyposis colorectal neoplasms. Identifiers: MedGen C0009405, MeSH D003123.
Hereditary cancer-predisposing syndrome. Also called: Neoplastic Syndromes, Hereditary; Hereditary Cancer Syndrome; Tumor predisposition; Hereditary neoplastic syndrome. Identifiers: Orphanet 140162, MedGen C0027672, MeSH D009386, MONDO:0015356.

Submissions (2):

Ambry Genetics
Classification: Uncertain significance for Hereditary cancer-predisposing syndrome. Last evaluated: 2022-03-21. Review status: criteria provided, single submitter. Criteria: Ambry Variant Classification Scheme 2023. Collection method: clinical testing. Allele origin: germline.
Comment: The p.D575G variant (also known as c.1724A>G), located in coding exon 4 of the MSH6 gene, results from an A to G substitution at nucleotide position 1724. The aspartic acid at codon 575 is replaced by glycine, an amino acid with similar properties. This amino acid position is highly conserved in available vertebrate species. In addition, this alteration is predicted to be deleterious by in silico analysis. Since supporting evidence is limited at this time, the clinical significance of this alteration remains unclear.

Labcorp Genetics (formerly Invitae), Labcorp
Classification: Uncertain significance for Hereditary nonpolyposis colorectal neoplasms. Last evaluated: 2020-04-08. Review status: criteria provided, single submitter. Criteria: Invitae Variant Classification Sherloc (09022015). Collection method: clinical testing. Allele origin: germline.
Comment: This variant has not been reported in the literature in individuals with MSH6-related conditions. This variant is not present in population databases (ExAC no frequency). This sequence change replaces aspartic acid with glycine at codon 575 of the MSH6 protein (p.Asp575Gly). The aspartic acid residue is highly conserved and there is a moderate physicochemical difference between aspartic acid and glycine. Algorithms developed to predict the effect of missense changes on protein structure and function (SIFT, PolyPhen-2, Align-GVGD) all suggest that this variant is likely to be disruptive, but these predictions have not been confirmed by published functional studies and their clinical significance is uncertain. In summary, the available evidence is currently insufficient to determine the role of this variant in disease. Therefore, it has been classified as a Variant of Uncertain Significance. Algorithms developed to predict the effect of sequence changes on RNA splicing suggest that this variant may create or strengthen a splice site, but this prediction has not been confirmed by published transcriptional studies.